The following is an entry in ClinVar:

ClinVar aggregate classification (germline): Pathogenic (1 of 4 stars; one submission).

Conditions:
Isolated neonatal sclerosing cholangitis (NSC). Also called: Sclerosing cholangitis, neonatal. Identifiers: Orphanet 480556, MedGen C4479344, MONDO:0018816, OMIM 617394.

Submission:

3billion
Classification: Pathogenic for Isolated neonatal sclerosing cholangitis. Last evaluated: 2022-05-22. Review status: criteria provided, single submitter. Criteria: ACMG Guidelines, 2015. Collection method: clinical testing. Allele origin: germline. Affected: yes. Observed: 1 homozygote.
Comment: The variant is not observed in the gnomAD v2.1.1 dataset. Frameshift: predicted to result in a loss or disruption of normal protein function through nonsense-mediated decay (NMD) or protein truncation. Multiple pathogenic variants are reported downstream of the variant. The patient's phenotype is considred compatible with DCDC2 related disorder. Therefore, this variant is classified as pathogenic according to the recommendation of ACMG/AMP guideline.

NM_016356.5(DCDC2):c.536_537del (p.Leu179fs)

Gene: DCDC2 (doublecortin domain containing 2; minus strand). Cytogenetic location: 6p22.3.
Variant type: Deletion.
Coding change: c.536_537del on transcript NM_016356.5 (MANE Select); coding-DNA positions 536 to 537, 2 bases deleted (TG; older notation c.536_537delTG).
Protein change: p.Leu179fs; shifts the reading frame from leucine 179.
Molecular consequence: frameshift variant.
Genome position (GRCh38, 1-based): chr6:24,301,735-24,301,736, CA deleted on the plus strand (TG on the coding strand, the reverse complement: DCDC2 is on the minus strand). VCF-style (leftmost placement, unchanged base first): chr6-24301734-TCA-T. GRCh37 (hg19) VCF-style: chr6-24301962-TCA-T.
Other names: c.536_537del, p.Leu179fs (NM_001195610.2); short protein forms L179fs.
Identifiers: ClinVar variation 1687288 (VCV001687288.1), dbSNP rs2113838075, ClinGen allele CA2573140144.